The following is an entry in ClinVar:

ClinVar aggregate classification (germline): Likely benign. Review status: criteria provided, multiple submitters, no conflicts (2 of 4 stars). 4 submissions from 4 submitters: Likely benign (3). 1 of the submissions does not count toward it. Last evaluated 2025-12-07.

Conditions:
MITF-related disorder. Also called: MITF-related condition.
Tietz syndrome (TADS). Also called: HYPOPIGMENTATION/DEAFNESS OF TIETZ; ALBINISM-DEAFNESS OF TIETZ; TIETZ ALBINISM-DEAFNESS SYNDROME. Identifiers: Orphanet 42665, MedGen C0391816, MONDO:0007077, OMIM 103500.
Waardenburg syndrome type 2A (WS2A). Also called: WAARDENBURG SYNDROME WITHOUT DYSTOPIA CANTHORUM. Identifiers: Orphanet 3440, MedGen C1860339, MONDO:0008671, OMIM 193510.
Melanoma, cutaneous malignant, susceptibility to, 8. Also called: Cutaneous malignant melanoma 8; MELANOMA AND RENAL CELL CARCINOMA, SUSCEPTIBILITY TO. Identifiers: Orphanet 293822, MedGen C3152204, MONDO:0013759, OMIM 614456.
Hereditary cancer-predisposing syndrome. Also called: Neoplastic Syndromes, Hereditary; Hereditary neoplastic syndrome; Hereditary Cancer Syndrome; Tumor predisposition. Identifiers: Orphanet 140162, MedGen C0027672, MeSH D009386, MONDO:0015356.

Allele frequency attached by ClinVar (database versions not stated): gnomAD exomes 0.00001 and 0.00003; TOPMed 0.00001; ExAC 0.00004.
gnomAD v4.1: 8 of 1,613,954 alleles (0.0005%); highest among the groups gnomAD compares: Admixed American, 0.013%; no homozygotes.

Submissions (4):

Labcorp Genetics (formerly Invitae), Labcorp
Classification: Likely benign for Melanoma, cutaneous malignant, susceptibility to, 8; Waardenburg syndrome type 2A; Tietz syndrome. Last evaluated: 2025-12-07. Review status: criteria provided, single submitter. Criteria: Invitae Variant Classification Sherloc (09022015). Collection method: clinical testing. Allele origin: germline.

Ambry Genetics
Classification: Likely benign for Hereditary cancer-predisposing syndrome. Last evaluated: 2025-05-20. Review status: criteria provided, single submitter. Criteria: Ambry Variant Classification Scheme 2023. Collection method: clinical testing. Allele origin: germline.

GeneDx
Classification: Likely benign. Last evaluated: 2019-12-20. Review status: criteria provided, single submitter. Criteria: GeneDx Variant Classification Process June 2021. Collection method: clinical testing. Allele origin: germline. Affected: yes.

PreventionGenetics, part of Exact Sciences
Classification: Likely benign for MITF-related condition. Last evaluated: 2022-01-27. Review status: no assertion criteria provided. Collection method: clinical testing. Allele origin: germline. Not counted in ClinVar's aggregate classification.
Comment: This variant is classified as likely benign based on ACMG/AMP sequence variant interpretation guidelines (Richards et al. 2015 PMID: 25741868, with internal and published modifications).

NM_001354604.2(MITF):c.1146G>A (p.Glu382=)

Gene: MITF (melanocyte inducing transcription factor; plus strand). Cytogenetic location: 3p13.
Variant type: single nucleotide variant.
Coding change: c.1146G>A on transcript NM_001354604.2 (MANE Select); coding-DNA position 1146, G replaced by A.
Protein change: p.Glu382=; no amino-acid change (glutamic acid 382 retained).
Molecular consequence: synonymous variant.
Genome position (GRCh38, 1-based): chr3:69,959,387, G>A. VCF-style: chr3-69959387-G-A. GRCh37 (hg19) VCF-style: chr3-70008538-G-A.
Other names: c.825G>A, p.Glu275= (NM_000248.4); c.972G>A, p.Glu324= (NM_001184967.2, NM_001354608.2); c.1143G>A, p.Glu381= (NM_001354605.2); c.1125G>A, p.Glu375= (NM_001354606.2, NM_006722.3); c.1077G>A, p.Glu359= (NM_001354607.2); c.807G>A, p.Glu269= (NM_198158.3); c.1128G>A, p.Glu376= (NM_198159.3); c.1080G>A, p.Glu360= (NM_198177.3); and 1 more.
Identifiers: ClinVar variation 1196944 (VCV001196944.10), dbSNP rs779560468, ClinGen allele CA2490578.